The following is an entry in ClinVar:

NM_006269.2(RP1):c.188T>C (p.Phe63Ser)

Gene: RP1 (RP1 axonemal microtubule associated; plus strand). Cytogenetic location: 8q12.1.
Variant type: single nucleotide variant.
Coding change: c.188T>C on transcript NM_006269.2 (MANE Select); coding-DNA position 188, T replaced by C.
Protein change: p.Phe63Ser; replaces phenylalanine 63 with serine.
Molecular consequence: missense variant.
Genome position (GRCh38, 1-based): chr8:54,621,154, T>C. VCF-style: chr8-54621154-T-C. GRCh37 (hg19) VCF-style: chr8-55533714-T-C.
Other names: c.188T>C, p.Phe63Ser (NM_001375654.1); short protein forms F63S.
Identifiers: ClinVar variation 810286 (VCV000810286.46), dbSNP rs369919266, ClinGen allele CA177234288.
Genomic context (GRCh38, chr8:54,621,154, plus strand): 5'-GCGGAGACCCCCAATTCGGCGGGGTCAGGGTGGTGGTCAACCCTCGCTCCTTTAAGTCCT[T>C]TGATGCTCTGCTGGATAACTTGTCCAGGAAGGTGCCCCTCCCTTTTGGAGTGAGGAACAT-3'
Protein context (NP_006260.1, residues 53-73): VVVNPRSFKS[Phe63Ser]DALLDNLSRK

ClinVar aggregate classification (germline): Conflicting classifications of pathogenicity. Review status: criteria provided, conflicting classifications (1 of 4 stars). 3 submissions from 3 submitters: Pathogenic (1); Uncertain significance (2). Last evaluated 2023-06-24.

Conditions:
Retinitis pigmentosa (RP). Identifiers: Orphanet 791, MedGen C0035334, MeSH D012174, MONDO:0019200, OMIM 268000. Inheritance: Autosomal dominant, autosomal recessive and X linked inheritance.

Allele frequency attached by ClinVar (database versions not stated): ESP Exome Variant Server 0.00008.

Submissions (3):

Labcorp Genetics (formerly Invitae), Labcorp
Classification: Uncertain significance. Last evaluated: 2023-06-24. Review status: criteria provided, single submitter. Criteria: Invitae Variant Classification Sherloc (09022015). Collection method: clinical testing. Allele origin: germline.
Comment: ClinVar contains an entry for this variant (Variation ID: 810286). In summary, the available evidence is currently insufficient to determine the role of this variant in disease. Therefore, it has been classified as a Variant of Uncertain Significance. An algorithm developed to predict the effect of missense changes on protein structure and function (PolyPhen-2) suggests that this variant is likely to be disruptive. This missense change has been observed in individual(s) with autosomal recessive retinitis pigmentosa (PMID: 32531858). This variant is not present in population databases (gnomAD no frequency). This sequence change replaces phenylalanine, which is neutral and non-polar, with serine, which is neutral and polar, at codon 63 of the RP1 protein (p.Phe63Ser).

Molecular Genetics Laboratory, Institute for Ophthalmic Research
Classification: Pathogenic for Retinitis pigmentosa. Last evaluated: 2020-01-09. Review status: criteria provided, single submitter. Criteria: ACMG Guidelines, 2015. Collection method: research. Allele origin: germline. Affected: yes.

CeGaT Center for Human Genetics Tuebingen
Classification: Uncertain significance. Last evaluated: 2019-02-01. Review status: criteria provided, single submitter. Criteria: CeGaT Center For Human Genetics Tuebingen Variant Classification Criteria Version 2. Collection method: clinical testing. Allele origin: germline. Affected: yes. Observed: 1 variant allele.

Literature cited by the submitters: PubMed 32531858 (cited by Labcorp Genetics (formerly Invitae), Labcorp).